The following is an entry in ClinVar:

NM_015425.6(POLR1A):c.2144C>T (p.Ala715Val)

Gene: POLR1A (RNA polymerase I subunit A; minus strand). Cytogenetic location: 2p11.2.
Variant type: single nucleotide variant.
Coding change: c.2144C>T on transcript NM_015425.6 (MANE Select); coding-DNA position 2144, C replaced by T.
Protein change: p.Ala715Val; replaces alanine 715 with valine.
Molecular consequence: missense variant.
Genome position (GRCh38, 1-based): chr2:86,054,204, G>A on the plus strand (C>T on the coding strand, the complement: POLR1A is on the minus strand). VCF-style: chr2-86054204-G-A. GRCh37 (hg19) VCF-style: chr2-86281327-G-A.
Other names: short protein forms A715V.
Identifiers: ClinVar variation 4746425 (VCV004746425.1).

ClinVar aggregate classification (germline): Uncertain significance (1 of 4 stars; one submission).

Submission:

Labcorp Genetics (formerly Invitae), Labcorp
Classification: Uncertain significance. Last evaluated: 2025-04-09. Review status: criteria provided, single submitter. Criteria: Invitae Variant Classification Sherloc (09022015). Collection method: clinical testing. Allele origin: germline.
Comment: This sequence change replaces alanine, which is neutral and non-polar, with valine, which is neutral and non-polar, at codon 715 of the POLR1A protein (p.Ala715Val). This variant is not present in population databases (gnomAD no frequency). This variant has not been reported in the literature in individuals affected with POLR1A-related conditions. Invitae Evidence Modeling of protein sequence and biophysical properties (such as structural, functional, and spatial information, amino acid conservation, physicochemical variation, residue mobility, and thermodynamic stability) indicates that this missense variant is not expected to disrupt POLR1A protein function with a negative predictive value of 80%. In summary, the available evidence is currently insufficient to determine the role of this variant in disease. Therefore, it has been classified as a Variant of Uncertain Significance.